The following is an entry in ClinVar:

ClinVar aggregate classification (germline): Uncertain significance. Review status: criteria provided, multiple submitters, no conflicts (2 of 4 stars). 2 submissions from 2 submitters: Uncertain significance (2). Last evaluated 2024-10-11.

Allele frequency attached by ClinVar (database versions not stated): gnomAD 0.00001; gnomAD exomes 0.00001; ExAC 0.00002; TOPMed 0.00002.

Submissions (2):

Blueprint Genetics
Classification: Uncertain significance. Last evaluated: 2024-10-11. Review status: criteria provided, single submitter. Criteria: ACMG Guidelines, 2015. Collection method: clinical testing. Allele origin: germline.

Labcorp Genetics (formerly Invitae), Labcorp
Classification: Uncertain significance. Last evaluated: 2021-04-11. Review status: criteria provided, single submitter. Criteria: Invitae Variant Classification Sherloc (09022015). Collection method: clinical testing. Allele origin: germline.
Comment: This variant is present in population databases (rs759872181, ExAC 0.003%). In summary, the available evidence is currently insufficient to determine the role of this variant in disease. Therefore, it has been classified as a Variant of Uncertain Significance. Algorithms developed to predict the effect of missense changes on protein structure and function (SIFT, PolyPhen-2, Align-GVGD) all suggest that this variant is likely to be tolerated, but these predictions have not been confirmed by published functional studies and their clinical significance is uncertain. This variant has not been reported in the literature in individuals with TTLL5-related conditions. This sequence change replaces serine with leucine at codon 997 of the TTLL5 protein (p.Ser997Leu). The serine residue is moderately conserved and there is a large physicochemical difference between serine and leucine.

NM_015072.5(TTLL5):c.2990C>T (p.Ser997Leu)

Gene: TTLL5 (tubulin tyrosine ligase like 5; plus strand). Cytogenetic location: 14q24.3.
Variant type: single nucleotide variant.
Coding change: c.2990C>T on transcript NM_015072.5 (MANE Select); coding-DNA position 2990, C replaced by T.
Protein change: p.Ser997Leu; replaces serine 997 with leucine.
Molecular consequence: missense variant.
Genome position (GRCh38, 1-based): chr14:75,792,919, C>T. VCF-style: chr14-75792919-C-T. GRCh37 (hg19) VCF-style: chr14-76259262-C-T.
Other names: short protein forms S997L.
Identifiers: ClinVar variation 1407938 (VCV001407938.9), dbSNP rs759872181, ClinGen allele CA7279870.